The following is an entry in ClinVar:

ClinVar aggregate classification (germline): Uncertain significance. Review status: criteria provided, multiple submitters, no conflicts (2 of 4 stars). 4 submissions from 4 submitters: Uncertain significance (4). Last evaluated 2025-01-03.

Conditions:
TMPRSS3-related disorder. Also called: TMPRSS3-related condition.
Inborn genetic diseases. Identifiers: MedGen C0950123, MeSH D030342.

Allele frequency attached by ClinVar (database versions not stated): TOPMed below 0.00001; gnomAD exomes 0.00001; ExAC 0.00002.
gnomAD v4.1: 7 of 1,614,218 alleles (0.00043%); no homozygotes.

Submissions (4):

PreventionGenetics, part of Exact Sciences
Classification: Uncertain significance for TMPRSS3-related condition. Last evaluated: 2025-01-03. Review status: criteria provided, single submitter. Criteria: ACMG Guidelines, 2015. Collection method: clinical testing. Allele origin: germline.
Comment: The TMPRSS3 c.395A>G variant is predicted to result in the amino acid substitution p.Asp132Gly. To our knowledge, this variant has not been reported in the literature. This variant is reported in 0.011% of alleles in individuals of East Asian descent in gnomAD. At this time, the clinical significance of this variant is uncertain due to the absence of conclusive functional and genetic evidence.

Blueprint Genetics
Classification: Uncertain significance. Last evaluated: 2024-05-30. Review status: criteria provided, single submitter. Criteria: ACMG Guidelines, 2015. Collection method: clinical testing. Allele origin: germline.

Ambry Genetics
Classification: Uncertain significance for Inborn genetic diseases. Last evaluated: 2024-01-09. Review status: criteria provided, single submitter. Criteria: Ambry Variant Classification Scheme 2023. Collection method: clinical testing. Allele origin: germline.

GeneDx
Classification: Uncertain significance. Last evaluated: 2022-02-10. Review status: criteria provided, single submitter. Criteria: GeneDx Variant Classification Process June 2021. Collection method: clinical testing. Allele origin: germline. Affected: yes.
Comment: In silico analysis supports that this missense variant has a deleterious effect on protein structure/function; Has not been previously published as pathogenic or benign to our knowledge

NM_001256317.3(TMPRSS3):c.395A>G (p.Asp132Gly)

Gene: TMPRSS3 (transmembrane serine protease 3; minus strand). Cytogenetic location: 21q22.3.
Variant type: single nucleotide variant.
Coding change: c.395A>G on transcript NM_001256317.3 (MANE Select); coding-DNA position 395, A replaced by G.
Protein change: p.Asp132Gly; replaces aspartic acid 132 with glycine.
Molecular consequence: missense variant.
Genome position (GRCh38, 1-based): chr21:42,388,454, T>C on the plus strand (A>G on the coding strand, the complement: TMPRSS3 is on the minus strand). VCF-style: chr21-42388454-T-C. GRCh37 (hg19) VCF-style: chr21-43808563-T-C.
Other names: c.395A>G, p.Asp132Gly (NM_024022.4, NM_032405.2); c.14A>G, p.Asp5Gly (NM_032404.3); short protein forms D132G, D5G.
Identifiers: ClinVar variation 1700740 (VCV001700740.5), dbSNP rs754081459, ClinGen allele CA10042643.